The following is an entry in ClinVar:

ClinVar aggregate classification (germline): Uncertain significance (1 of 4 stars; one submission).

Submission:

Labcorp Genetics (formerly Invitae), Labcorp
Classification: Uncertain significance. Last evaluated: 2025-12-08. Review status: criteria provided, single submitter. Criteria: Invitae Variant Classification Sherloc (09022015). Collection method: clinical testing. Allele origin: germline.
Comment: This sequence change replaces threonine, which is neutral and polar, with isoleucine, which is neutral and non-polar, at codon 1415 of the MYO7A protein (p.Thr1415Ile). This variant is not present in population databases (gnomAD no frequency). This variant has not been reported in the literature in individuals affected with MYO7A-related conditions. ClinVar contains an entry for this variant (Variation ID: 2884128). Invitae Evidence Modeling of protein sequence and biophysical properties (such as structural, functional, and spatial information, amino acid conservation, physicochemical variation, residue mobility, and thermodynamic stability) indicates that this missense variant is not expected to disrupt MYO7A protein function with a negative predictive value of 95%. In summary, the available evidence is currently insufficient to determine the role of this variant in disease. Therefore, it has been classified as a Variant of Uncertain Significance.

NM_000260.4(MYO7A):c.4244C>T (p.Thr1415Ile)

Gene: MYO7A (myosin VIIA; plus strand). Cytogenetic location: 11q13.5.
Variant type: single nucleotide variant.
Coding change: c.4244C>T on transcript NM_000260.4 (MANE Select); coding-DNA position 4244, C replaced by T.
Protein change: p.Thr1415Ile; replaces threonine 1415 with isoleucine.
Molecular consequence: missense variant.
Genome position (GRCh38, 1-based): chr11:77,194,445, C>T. VCF-style: chr11-77194445-C-T. GRCh37 (hg19) VCF-style: chr11-76905490-C-T.
Other names: c.4244C>T, p.Thr1415Ile (NM_001127180.2); c.4211C>T, p.Thr1404Ile (NM_001369365.1); short protein forms T1404I, T1415I.
Identifiers: ClinVar variation 2884128 (VCV002884128.3), dbSNP rs767380109, ClinGen allele CA6198379.
Genomic context (GRCh38, chr11:77,194,445, plus strand): 5'-AGTACTTTGTAGACTATGGCTCTGAGATGATCCTGGAGCGCCTCCTGAACCTCGTGCCCA[C>T]CTACATCCCCGACCGCGAGATCACGCCCCTGAAGACGCTGGAGAAGTGGGCCCAGCTGGC-3'
Protein context (NP_000251.3, residues 1405-1425): ILERLLNLVP[Thr1415Ile]YIPDREITPL